The following is an entry in ClinVar:

NM_000693.4(ALDH1A3):c.1436G>A (p.Gly479Asp)

Genes: ALDH1A3 (aldehyde dehydrogenase 1 family member A3; plus strand), ALDH1A3-AS1 (ALDH1A3 antisense RNA 1; minus strand). Cytogenetic location: 15q26.3.
Variant type: single nucleotide variant.
Coding change: c.1436G>A on transcript NM_000693.4 (MANE Select); coding-DNA position 1436, G replaced by A.
Protein change: p.Gly479Asp; replaces glycine 479 with aspartic acid.
Molecular consequence: missense variant.
Genome position (GRCh38, 1-based): chr15:100,908,452, G>A. VCF-style: chr15-100908452-G-A. GRCh37 (hg19) VCF-style: chr15-101448657-G-A.
Other names: c.1115G>A, p.Gly372Asp (NM_001293815.2); short protein forms G479D, G372D.
Identifiers: ClinVar variation 585293 (VCV000585293.2), dbSNP rs1567174297, ClinGen allele CA393948221.

ClinVar aggregate classification (germline): Likely pathogenic (1 of 4 stars; one submission).

Conditions:
Isolated anophthalmia-microphthalmia syndrome. Identifiers: Orphanet 2542, MedGen C5679828, MONDO:0016764.

Allele frequency attached by ClinVar (database versions not stated): gnomAD exomes below 0.00001.

Submission:

Center of Genomic medicine, Geneva, University Hospital of Geneva
Classification: Likely pathogenic for Isolated anophthalmia-microphthalmia syndrome. Last evaluated: 2018-03-29. Review status: criteria provided, single submitter. Criteria: ACMG Guidelines, 2015. Collection method: clinical testing. Allele origin: inherited. Affected: yes. Observed: 3 variant alleles.